The following is an entry in ClinVar:

ClinVar aggregate classification (germline): Benign/Likely benign. Review status: criteria provided, multiple submitters, no conflicts (2 of 4 stars). 4 submissions from 4 submitters: Benign (2); Likely benign (1). 1 of the submissions does not count toward it. Last evaluated 2018-01-13.

Conditions:
Fabry disease. Also called: ALPHA-GALACTOSIDASE A DEFICIENCY; Fabry's disease; Angiokeratoma corporis diffusum; Ceramide trihexosidosis; ANDERSON-FABRY DISEASE; CERAMIDE TRIHEXOSIDASE DEFICIENCY. Identifiers: Orphanet 324, MedGen C0002986, MONDO:0010526, OMIM 301500, HP:0001071. Disease mechanism: loss of function, Fabry disease is due to inactivating mutations in the X-linked GLA gene resulting in deficiency of the enzyme Alpha Galactosidase-A..

Allele frequency attached by ClinVar (database versions not stated): gnomAD 0.03741 and 0.04009; 1000 Genomes Project 30x 0.03913; TOPMed 0.04410; gnomAD exomes 0.00453; 1000 Genomes Project 0.03788.

Submissions (4):

Illumina Laboratory Services, Illumina
Classification: Benign for Fabry disease. Last evaluated: 2018-01-13. Review status: criteria provided, single submitter. Criteria: ICSL Variant Classification Criteria 13 December 2019. Collection method: clinical testing. Allele origin: germline.
Comment: This variant was observed in the ICSL laboratory as part of a predisposition screen in an ostensibly healthy population. It had not been previously curated by ICSL or reported in the Human Gene Mutation Database (HGMD: prior to June 1st, 2018), and was therefore a candidate for classification through an automated scoring system. Utilizing variant allele frequency, disease prevalence and penetrance estimates, and inheritance mode, an automated score was calculated to assess if this variant is too frequent to cause the disease. Based on the score and internal cut-off values, a variant classified as benign is not then subjected to further curation. The score for this variant resulted in a classification of benign for this disease.

GeneDx
Classification: Benign. Last evaluated: 2015-03-03. Review status: criteria provided, single submitter. Criteria: GeneDx Variant Classification Process June 2021. Collection method: clinical testing. Allele origin: germline. Affected: yes.

Breakthrough Genomics
Classification: Likely benign. Review status: criteria provided, single submitter. Criteria: ACMG Guidelines, 2015. Collection method: not provided. Allele origin: germline. Inheritance: Unknown mechanism. Affected: yes.

Mayo Clinic Laboratories, Mayo Clinic
Classification: Benign. Last evaluated: 2017-09-21. Review status: no assertion criteria provided. Collection method: clinical testing. Allele origin: unknown. Not counted in ClinVar's aggregate classification.

NM_000169.2(GLA):c.-105A>G

Genes: GLA (galactosidase alpha; minus strand), RPL36A-HNRNPH2 (RPL36A-HNRNPH2 readthrough; plus strand). Cytogenetic location: Xq22.1.
Variant type: single nucleotide variant.
Coding change: c.-105A>G on transcript NM_000169.2; 105 bases upstream of the start codon, A replaced by G.
Molecular consequence: intron variant (on NM_001199973.2).
Genome position (GRCh38, 1-based): chrX:101,408,008, T>C on the plus strand (A>G on the coding strand, the complement: GLA is on the minus strand). VCF-style: chrX-101408008-T-C. GRCh37 (hg19) VCF-style: chrX-100662996-T-C.
Other names: c.301-3928T>C (NM_001199973.2); c.178-3928T>C (NM_001199974.2).
Identifiers: ClinVar variation 222092 (VCV000222092.11), dbSNP rs3027583, ClinGen allele CA352306.